The following is an entry in ClinVar:

NM_000138.5(FBN1):c.1196C>T (p.Pro399Leu)

Gene: FBN1 (fibrillin 1; minus strand). Cytogenetic location: 15q21.1.
Variant type: single nucleotide variant.
Coding change: c.1196C>T on transcript NM_000138.5 (MANE Select); coding-DNA position 1196, C replaced by T.
Protein change: p.Pro399Leu; replaces proline 399 with leucine.
Molecular consequence: missense variant.
Genome position (GRCh38, 1-based): chr15:48,516,314, G>A on the plus strand (C>T on the coding strand, the complement: FBN1 is on the minus strand). VCF-style: chr15-48516314-G-A. GRCh37 (hg19) VCF-style: chr15-48808511-G-A.
Other names: short protein forms P399L.
Identifiers: ClinVar variation 836106 (VCV000836106.10), dbSNP rs1363393532, ClinGen allele CA392345644.
Genomic context (GRCh38, chr15:48,516,314, plus strand): 5'-AAGCCAGGAGGAACAGGGAGAACTGGAGGAATGGGGCCAAGGGGTGGGGGAGGATATTCT[G>A]GTCTCCCAGGAATTACCATAGGAACAGAGCACAGCTTGTTGAAATCCTCTAGAAAAACAC-3'
Protein context (NP_000129.3, residues 389-409): CSVPMVIPGR[Pro399Leu]EYPPPPLGPI

ClinVar aggregate classification (germline): Uncertain significance. Review status: criteria provided, multiple submitters, no conflicts (2 of 4 stars). 2 submissions from 2 submitters: Uncertain significance (2). Last evaluated 2026-02-16.

Conditions:
Familial thoracic aortic aneurysm and aortic dissection (TAAD). Also called: Thoracic aortic aneurysms and dissections. Identifiers: Orphanet 91387, MedGen C4707243, MONDO:0019625.
Marfan syndrome (MFS). Also called: FBN1-Related Marfan Syndrome; Marfan's syndrome; MARFAN SYNDROME, TYPE I; Marfan syndrome type 1; Marfan syndrome, classic. Identifiers: Orphanet 284963, Orphanet 558, MedGen C0024796, MONDO:0007947, OMIM 154700.

Allele frequency attached by ClinVar (database versions not stated): gnomAD exomes below 0.00001.
gnomAD v4.1: 1 of 1,613,788 alleles (0.000062%); highest among the groups gnomAD compares: Non-Finnish European, 0.000085%; no homozygotes.

Submissions (2):

Ambry Genetics
Classification: Uncertain significance for Familial thoracic aortic aneurysm and aortic dissection. Last evaluated: 2026-02-16. Review status: criteria provided, single submitter. Criteria: Ambry Variant Classification Scheme 2023. Collection method: clinical testing. Allele origin: germline.
Comment: The c.1196C>T (p.P399L) alteration is located in exon 11 (coding exon 10) of the FBN1 gene. This alteration results from a C to T substitution at nucleotide position 1196, causing the proline (P) at amino acid position 399 to be replaced by a leucine (L). Based on data from gnomAD, the T allele has an overall frequency of <0.001% (1/250552) total alleles studied. The highest observed frequency was 0.001% (1/113142) of European (non-Finnish) alleles. Based on insufficient or conflicting evidence, the clinical significance of this alteration remains unclear.

Labcorp Genetics (formerly Invitae), Labcorp
Classification: Uncertain significance for Marfan syndrome; Familial thoracic aortic aneurysm and aortic dissection. Last evaluated: 2019-03-14. Review status: criteria provided, single submitter. Criteria: Invitae Variant Classification Sherloc (09022015). Collection method: clinical testing. Allele origin: germline.
Comment: In summary, the available evidence is currently insufficient to determine the role of this variant in disease. Therefore, it has been classified as a Variant of Uncertain Significance. Algorithms developed to predict the effect of missense changes on protein structure and function are either unavailable or do not agree on the potential impact of this missense change (SIFT: "Deleterious"; PolyPhen-2: "Benign"; Align-GVGD: "Class C15"). This variant has not been reported in the literature in individuals with FBN1-related conditions. This variant is not present in population databases (ExAC no frequency). This sequence change replaces proline with leucine at codon 399 of the FBN1 protein (p.Pro399Leu). The proline residue is highly conserved and there is a moderate physicochemical difference between proline and leucine.